The following is an entry in ClinVar:

NM_000424.4(KRT5):c.1226A>C (p.Asn409Thr)

Genes: KRT5 (keratin 5; minus strand), LOC126861525 (BRD4-independent group 4 enhancer GRCh37_chr12:52909857-52911056; plus strand). Cytogenetic location: 12q13.13.
Variant type: single nucleotide variant.
Coding change: c.1226A>C on transcript NM_000424.4 (MANE Select); coding-DNA position 1226, A replaced by C.
Protein change: p.Asn409Thr; replaces asparagine 409 with threonine.
Molecular consequence: missense variant.
Genome position (GRCh38, 1-based): chr12:52,516,850, T>G on the plus strand (A>C on the coding strand, the complement: KRT5 is on the minus strand). VCF-style: chr12-52516850-T-G. GRCh37 (hg19) VCF-style: chr12-52910634-T-G.
Other names: short protein forms N409T.
Identifiers: ClinVar variation 4754955 (VCV004754955.1).

ClinVar aggregate classification (germline): Uncertain significance (1 of 4 stars; one submission).

gnomAD v4.1: 24 of 1,614,168 alleles (0.0015%); highest among the groups gnomAD compares: East Asian, 0.0045%; no homozygotes.

Submission:

Labcorp Genetics (formerly Invitae), Labcorp
Classification: Uncertain significance. Last evaluated: 2025-10-28. Review status: criteria provided, single submitter. Criteria: Invitae Variant Classification Sherloc (09022015). Collection method: clinical testing. Allele origin: germline.
Comment: This sequence change replaces asparagine, which is neutral and polar, with threonine, which is neutral and polar, at codon 409 of the KRT5 protein (p.Asn409Thr). This variant is present in population databases (rs779770273, gnomAD 0.01%). This variant has not been reported in the literature in individuals affected with KRT5-related conditions. Invitae Evidence Modeling of protein sequence and biophysical properties (such as structural, functional, and spatial information, amino acid conservation, physicochemical variation, residue mobility, and thermodynamic stability) indicates that this missense variant is not expected to disrupt KRT5 protein function with a negative predictive value of 95%. In summary, the available evidence is currently insufficient to determine the role of this variant in disease. Therefore, it has been classified as a Variant of Uncertain Significance.